The following is an entry in ClinVar:

NM_000432.4(MYL2):c.34G>A (p.Gly12Ser)

Genes: MYL2 (myosin light chain 2; minus strand), LOC114827850 (VISTA enhancer hs2149; plus strand). Cytogenetic location: 12q24.11.
Variant type: single nucleotide variant.
Coding change: c.34G>A on transcript NM_000432.4 (MANE Select); coding-DNA position 34, G replaced by A.
Protein change: p.Gly12Ser; replaces glycine 12 with serine.
Molecular consequence: missense variant.
Genome position (GRCh38, 1-based): chr12:110,919,163, C>T on the plus strand (G>A on the coding strand, the complement: MYL2 is on the minus strand). VCF-style: chr12-110919163-C-T. GRCh37 (hg19) VCF-style: chr12-111356967-C-T.
Other names: short protein forms G12S.
Identifiers: ClinVar variation 928459 (VCV000928459.13), dbSNP rs730880937, ClinGen allele CA386700314.

ClinVar aggregate classification (germline): Uncertain significance. Review status: criteria provided, multiple submitters, no conflicts (2 of 4 stars). 2 submissions from 2 submitters: Uncertain significance (2). Last evaluated 2025-11-25.

Conditions:
Hypertrophic cardiomyopathy 10. Also called: MYL2-Related Familial Hypertrophic Cardiomyopathy; CARDIOMYOPATHY, HYPERTROPHIC, MID-LEFT VENTRICULAR CHAMBER TYPE, 2. Identifiers: MedGen C1834460, MONDO:0012112, OMIM 608758.
Cardiomyopathy (CMYO). Also called: Cardiomyopathies. Identifiers: Orphanet 167848, MedGen C0878544, MONDO:0004994, HP:0001638. Inheritance: Various modes of inheritance.

Submissions (2):

Labcorp Genetics (formerly Invitae), Labcorp
Classification: Uncertain significance for Hypertrophic cardiomyopathy 10. Last evaluated: 2025-11-25. Review status: criteria provided, single submitter. Criteria: Invitae Variant Classification Sherloc (09022015). Collection method: clinical testing. Allele origin: germline.
Comment: This sequence change replaces glycine, which is neutral and non-polar, with serine, which is neutral and polar, at codon 12 of the MYL2 protein (p.Gly12Ser). This variant is not present in population databases (gnomAD no frequency). This variant has not been reported in the literature in individuals affected with MYL2-related conditions. ClinVar contains an entry for this variant (Variation ID: 928459). Experimental studies and prediction algorithms are not available or were not evaluated, and the functional significance of this variant is currently unknown. In summary, the available evidence is currently insufficient to determine the role of this variant in disease. Therefore, it has been classified as a Variant of Uncertain Significance.

Color Diagnostics, LLC DBA Color Health
Classification: Uncertain significance for Cardiomyopathy. Last evaluated: 2024-03-07. Review status: criteria provided, single submitter. Criteria: ACMG Guidelines, 2015. Collection method: clinical testing. Allele origin: germline.
Comment: This missense variant replaces glycine with serine at codon 12 of the MYL2 protein. Computational prediction suggests that this variant may not impact protein structure and function (internally defined REVEL score threshold <= 0.5, PMID: 27666373). To our knowledge, functional studies have not been reported for this variant. This variant has not been reported in individuals affected with MYL2-related disorders in the literature. This variant has not been identified in the general population by the Genome Aggregation Database (gnomAD). The available evidence is insufficient to determine the role of this variant in disease conclusively. Therefore, this variant is classified as a Variant of Uncertain Significance.